The following is an entry in ClinVar:

NM_006946.4(SPTBN2):c.2768C>G (p.Pro923Arg)

Gene: SPTBN2 (spectrin beta, non-erythrocytic 2; minus strand). Cytogenetic location: 11q13.2.
Variant type: single nucleotide variant.
Coding change: c.2768C>G on transcript NM_006946.4 (MANE Select); coding-DNA position 2768, C replaced by G.
Protein change: p.Pro923Arg; replaces proline 923 with arginine.
Molecular consequence: missense variant.
Genome position (GRCh38, 1-based): chr11:66,701,632, G>C on the plus strand (C>G on the coding strand, the complement: SPTBN2 is on the minus strand). VCF-style: chr11-66701632-G-C. GRCh37 (hg19) VCF-style: chr11-66469103-G-C.
Other names: c.2789C>G, p.Pro930Arg (NM_001411025.1); short protein forms P923R, P930R.
Identifiers: ClinVar variation 2663608 (VCV002663608.1), dbSNP rs1428729330, ClinGen allele CA381476899.

ClinVar aggregate classification (germline): Uncertain significance (1 of 4 stars; one submission).

Allele frequency attached by ClinVar (database versions not stated): TOPMed below 0.00001; gnomAD 0.00001.
gnomAD v4.1: 7 of 1,613,956 alleles (0.00043%); highest among the groups gnomAD compares: Non-Finnish European, 0.00059%; no homozygotes.

Submission:

GeneDx
Classification: Uncertain significance. Last evaluated: 2023-04-18. Review status: criteria provided, single submitter. Criteria: GeneDx Variant Classification Process June 2021. Collection method: clinical testing. Allele origin: germline. Affected: yes.
Comment: Not observed at significant frequency in large population cohorts (gnomAD); In silico analysis supports that this missense variant does not alter protein structure/function; Has not been previously published as pathogenic or benign to our knowledge